The following is an entry in ClinVar:

ClinVar aggregate classification (germline): Pathogenic (1 of 4 stars; one submission).

Submission:

GeneDx
Classification: Pathogenic. Last evaluated: 2022-12-19. Review status: criteria provided, single submitter. Criteria: GeneDx Variant Classification Process June 2021. Collection method: clinical testing. Allele origin: germline. Affected: yes.
Comment: Canonical splice site variant in a gene for which loss-of-function is a known mechanism of disease; Not observed at significant frequency in large population cohorts (gnomAD); Has not been previously published as pathogenic or benign to our knowledge

NM_004115.4(FGF14):c.305-2A>G

Gene: FGF14 (fibroblast growth factor 14; minus strand). Cytogenetic location: 13q33.1.
Variant type: single nucleotide variant.
Coding change: c.305-2A>G on transcript NM_004115.4 (MANE Select); the canonical splice acceptor site of the intron before coding-DNA position 305, A replaced by G.
Molecular consequence: splice acceptor variant.
Genome position (GRCh38, 1-based): chr13:101,868,830, T>C on the plus strand (A>G on the coding strand, the complement: FGF14 is on the minus strand). VCF-style: chr13-101868830-T-C. GRCh37 (hg19) VCF-style: chr13-102521180-T-C.
Other names: c.164-2A>G (NM_001321947.2); c.203-2A>G (NM_001379342.1, NM_001321948.2, NM_001321945.2); c.53-2A>G (NM_001321946.2, NM_001321949.1, NM_001321943.1 and 4 more transcripts); c.125-2A>G (NM_001321938.2, NM_001321940.1, NM_001321933.1); c.209-2A>G (NM_001321939.2); c.320-2A>G (NM_175929.3, NM_001321937.2); c.119-2A>G (NM_001321941.2); c.116-2A>G (NM_001321944.1, NM_001321936.1, NM_001321932.1).
Identifiers: ClinVar variation 1806675 (VCV001806675.1), dbSNP rs2501858298, ClinGen allele CA388712746.
Genomic context (GRCh38, chr13:101,868,830, plus strand): 5'-TGTTTTCACTCCCTGGATGGCAACAACACGTAGTCCCACTGGTATGAGGTTGAAGAGTGC[T>C]GTGAAGATAAACATTGTCTATCATGAATGGGCAGGAAGAAGCAGGGCAGAGTGTAATTTT-3'